The following is an entry in ClinVar:

ClinVar aggregate classification (germline): Likely benign. Review status: criteria provided, single submitter (1 of 4 stars). 2 submissions from 2 submitters: Likely benign (1). 1 of the submissions does not count toward it. Last evaluated 2025-09-22.

Conditions:
Spastic paraplegia. Identifiers: MedGen C0037772, HP:0001258.
SACS-related disorder. Also called: SACS-related condition.

Allele frequency attached by ClinVar (database versions not stated): gnomAD exomes below 0.00001; ExAC 0.00001.

Submissions (2):

Labcorp Genetics (formerly Invitae), Labcorp
Classification: Likely benign for Spastic paraplegia. Last evaluated: 2025-09-22. Review status: criteria provided, single submitter. Criteria: Invitae Variant Classification Sherloc (09022015). Collection method: clinical testing. Allele origin: germline.

PreventionGenetics, part of Exact Sciences
Classification: Likely benign for SACS-related condition. Last evaluated: 2020-02-26. Review status: no assertion criteria provided. Collection method: clinical testing. Allele origin: germline. Not counted in ClinVar's aggregate classification.
Comment: This variant is classified as likely benign based on ACMG/AMP sequence variant interpretation guidelines (Richards et al. 2015 PMID: 25741868, with internal and published modifications).

NM_014363.6(SACS):c.11316C>T (p.Val3772=)

Gene: SACS (sacsin molecular chaperone; minus strand). Cytogenetic location: 13q12.12.
Variant type: single nucleotide variant.
Coding change: c.11316C>T on transcript NM_014363.6 (MANE Select); coding-DNA position 11316, C replaced by T.
Protein change: p.Val3772=; no amino-acid change (valine 3772 retained).
Molecular consequence: synonymous variant.
Genome position (GRCh38, 1-based): chr13:23,332,560, G>A on the plus strand (C>T on the coding strand, the complement: SACS is on the minus strand). VCF-style: chr13-23332560-G-A. GRCh37 (hg19) VCF-style: chr13-23906699-G-A.
Other names: c.10875C>T, p.Val3625= (NM_001278055.2); c.11316C>T (NM_014363.5).
Identifiers: ClinVar variation 1085328 (VCV001085328.11), dbSNP rs768744922, ClinGen allele CA6910301.